The following is an entry in ClinVar:

NM_003183.6(ADAM17):c.1995A>T (p.Gly665=)

Genes: ADAM17 (ADAM metallopeptidase domain 17; minus strand), IAH1 (isoamyl acetate hydrolyzing esterase 1 (putative); plus strand). Cytogenetic location: 2p25.1.
Variant type: single nucleotide variant.
Coding change: c.1995A>T on transcript NM_003183.6 (MANE Select); coding-DNA position 1995, A replaced by T.
Protein change: p.Gly665=; no amino-acid change (glycine 665 retained).
Molecular consequence: synonymous variant.
Genome position (GRCh38, 1-based): chr2:9,492,985, T>A on the plus strand (A>T on the coding strand, the complement: ADAM17 is on the minus strand). VCF-style: chr2-9492985-T-A. GRCh37 (hg19) VCF-style: chr2-9633114-T-A.
Other names: c.1335A>T, p.Gly445= (NM_001382777.1); c.1098A>T, p.Gly366= (NM_001382778.1).
Identifiers: ClinVar variation 2139856 (VCV002139856.4), dbSNP rs369229801, ClinGen allele CA1523347.

ClinVar aggregate classification (germline): Uncertain significance (1 of 4 stars; one submission).

Conditions:
Inflammatory skin and bowel disease, neonatal, 1. Identifiers: Orphanet 294023, MedGen C3280501, MONDO:0013693, OMIM 614328.

gnomAD v4.1: 4 of 1,608,744 alleles (0.00025%); highest among the groups gnomAD compares: Non-Finnish European, 0.00034%; no homozygotes.

Submission:

Labcorp Genetics (formerly Invitae), Labcorp
Classification: Uncertain significance for Inflammatory skin and bowel disease, neonatal, 1. Last evaluated: 2022-04-29. Review status: criteria provided, single submitter. Criteria: Invitae Variant Classification Sherloc (09022015). Collection method: clinical testing. Allele origin: germline.
Comment: This variant has not been reported in the literature in individuals affected with ADAM17-related conditions. This sequence change affects codon 665 of the ADAM17 mRNA. It is a 'silent' change, meaning that it does not change the encoded amino acid sequence of the ADAM17 protein. This variant is present in population databases (rs369229801, gnomAD 0.0009%). Algorithms developed to predict the effect of sequence changes on RNA splicing suggest that this variant may disrupt the consensus splice site. In summary, the available evidence is currently insufficient to determine the role of this variant in disease. Therefore, it has been classified as a Variant of Uncertain Significance.